The following is an entry in ClinVar:

NM_001242896.3(DEPDC5):c.2995C>T (p.Arg999Trp)

Gene: DEPDC5 (DEP domain containing 5, GATOR1 subcomplex subunit; plus strand). Cytogenetic location: 22q12.3.
Variant type: single nucleotide variant.
Coding change: c.2995C>T on transcript NM_001242896.3 (MANE Select); coding-DNA position 2995, C replaced by T.
Protein change: p.Arg999Trp; replaces arginine 999 with tryptophan.
Molecular consequence: missense variant. On other transcripts: non-coding transcript variant (5).
Genome position (GRCh38, 1-based): chr22:31,845,211, C>T. VCF-style: chr22-31845211-C-T. GRCh37 (hg19) VCF-style: chr22-32241197-C-T.
Other names: c.2968C>T, p.Arg990Trp (NM_001136029.4, NM_001369903.1, NM_014662.6); c.2761C>T, p.Arg921Trp (NM_001242897.2, NM_001363854.2, NM_001364319.2); c.2995C>T, p.Arg999Trp (NM_001363852.2, NM_001364318.2, NM_001364320.2); c.2911C>T, p.Arg971Trp (NM_001369901.1, NM_001369902.1); short protein forms R999W, R921W, R990W, R971W.
Identifiers: ClinVar variation 534783 (VCV000534783.11), dbSNP rs375050296, ClinGen allele CA10196839.
Genomic context (GRCh38, chr22:31,845,211, plus strand): 5'-GAGTGGCAACTCCTGGATGGTTTTGTCCGCTTTGTGGAGGGCTTGAATCGCATTCGCAGG[C>T]GGCATCGCTCGGATCGCATGATGCGGGTAAGGGCTCCTTAGACTCAGGGAGTGCGCCTGG-3'
Protein context (NP_001229825.1, residues 989-1009): FVEGLNRIRR[Arg999Trp]HRSDRMMRKG

ClinVar aggregate classification (germline): Uncertain significance (1 of 4 stars; one submission).

Conditions:
Familial focal epilepsy with variable foci (FPEVF). Identifiers: Orphanet 98820, MedGen C1858477, MONDO:0020310.

Allele frequency attached by ClinVar (database versions not stated): ESP Exome Variant Server 0.00008; ExAC 0.00002; gnomAD exomes 0.00002.
gnomAD v4.1: 21 of 1,613,964 alleles (0.0013%); highest among the groups gnomAD compares: East Asian, 0.0022%; no homozygotes.

Submissions (2):

Labcorp Genetics (formerly Invitae), Labcorp
Classification: Uncertain significance for Familial focal epilepsy with variable foci. Last evaluated: 2023-09-10. Review status: criteria provided, single submitter. Criteria: Invitae Variant Classification Sherloc (09022015). Collection method: clinical testing. Allele origin: germline.
Comment: In summary, the available evidence is currently insufficient to determine the role of this variant in disease. Therefore, it has been classified as a Variant of Uncertain Significance. Experimental studies and prediction algorithms are not available or were not evaluated, and the functional significance of this variant is currently unknown. ClinVar contains an entry for this variant (Variation ID: 534783). This variant has not been reported in the literature in individuals affected with DEPDC5-related conditions. This variant is present in population databases (rs375050296, gnomAD 0.01%). This sequence change replaces arginine, which is basic and polar, with tryptophan, which is neutral and slightly polar, at codon 999 of the DEPDC5 protein (p.Arg999Trp).

Dr. Peter K. Rogan Lab, Western University
No classification provided (evidence only). Condition: Hepatocellular carcinoma. Review status: no classification provided. Collection method: in vitro. Allele origin: not applicable. Functional consequence: retained intron. Not counted in ClinVar's aggregate classification.